The following is an entry in ClinVar:

NM_015311.3(OBSL1):c.4609+1G>A

Gene: OBSL1 (obscurin like cytoskeletal adaptor 1; minus strand). Cytogenetic location: 2q35.
Variant type: single nucleotide variant.
Coding change: c.4609+1G>A on transcript NM_015311.3 (MANE Select); the canonical splice donor site of the intron after coding-DNA position 4609, G replaced by A.
Molecular consequence: splice donor variant. On other transcripts: missense variant (1).
Genome position (GRCh38, 1-based): chr2:219,556,019, C>T on the plus strand (G>A on the coding strand, the complement: OBSL1 is on the minus strand). VCF-style: chr2-219556019-C-T. GRCh37 (hg19) VCF-style: chr2-220420741-C-T.
Other names: c.4610G>A, p.Arg1537His (NM_001173431.2); short protein forms R1537H.
Identifiers: ClinVar variation 1360263 (VCV001360263.5), dbSNP rs371718828, ClinGen allele CA2130495.

ClinVar aggregate classification (germline): Uncertain significance. Review status: criteria provided, multiple submitters, no conflicts (2 of 4 stars). 2 submissions from 2 submitters: Uncertain significance (2). Last evaluated 2022-08-19.

Allele frequency attached by ClinVar (database versions not stated): ESP Exome Variant Server 0.00008.

Submissions (2):

Labcorp Genetics (formerly Invitae), Labcorp
Classification: Uncertain significance. Last evaluated: 2022-08-19. Review status: criteria provided, single submitter. Criteria: Invitae Variant Classification Sherloc (09022015). Collection method: clinical testing. Allele origin: germline.
Comment: This sequence change creates a premature translational stop signal (Splice donor) in the OBSL1 gene. However, it is currently unclear if variants that occur in this region of the gene cause disease. This variant is present in population databases (rs371718828, gnomAD 0.03%). This variant has not been reported in the literature in individuals affected with OBSL1-related conditions. ClinVar contains an entry for this variant (Variation ID: 1360263). Algorithms developed to predict the effect of sequence changes on RNA splicing suggest that this variant may disrupt the consensus splice site. In summary, the available evidence is currently insufficient to determine the role of this variant in disease. Therefore, it has been classified as a Variant of Uncertain Significance.

Women's Health and Genetics/Laboratory Corporation of America, LabCorp
Classification: Uncertain significance. Last evaluated: 2022-06-01. Review status: criteria provided, single submitter. Criteria: LabCorp Variant Classification Summary - May 2015. Collection method: clinical testing. Allele origin: germline.
Comment: Variant summary: OBSL1 c.4609+1G>A is located in a canonical splice-site and is predicted to affect mRNA splicing resulting in a significantly altered protein due to either exon skipping, shortening, or inclusion of intronic material. Several computational tools predict a significant impact on normal splicing: Four predict the variant abolishes the canonical 5' splicing donor site. However, these predictions have yet to be confirmed by functional studies. The variant allele was found at a frequency of 2.4e-05 in 246188 control chromosomes. The available data on variant occurrences in the general population are insufficient to allow any conclusion about variant significance. To our knowledge, no occurrence of c.4609+1G>A in individuals affected with Three M Syndrome 2 and no experimental evidence demonstrating its impact on protein function have been reported. One clinical diagnostic laboratory has submitted clinical-significance assessments for this variant to ClinVar after 2014 without evidence for independent evaluation and classified the variant as uncertain significance. Furthermore, no loss of function variants have been reported downstream of this region in the HGMD/LOVD database. Based on the evidence outlined above, the variant was classified as uncertain significance.